The following is an entry in ClinVar:

NM_053025.4(MYLK):c.47C>T (p.Ser16Phe)

Gene: MYLK (myosin light chain kinase; minus strand). Cytogenetic location: 3q21.1.
Variant type: single nucleotide variant.
Coding change: c.47C>T on transcript NM_053025.4 (MANE Select); coding-DNA position 47, C replaced by T.
Protein change: p.Ser16Phe; replaces serine 16 with phenylalanine.
Molecular consequence: missense variant. On other transcripts: 5 prime UTR variant (1).
Genome position (GRCh38, 1-based): chr3:123,793,795, G>A on the plus strand (C>T on the coding strand, the complement: MYLK is on the minus strand). VCF-style: chr3-123793795-G-A. GRCh37 (hg19) VCF-style: chr3-123512642-G-A.
Other names: c.-274C>T (NM_001321309.2); c.47C>T, p.Ser16Phe (NM_053026.4, NM_053027.4, NM_053028.4); short protein forms S16F.
Identifiers: ClinVar variation 957314 (VCV000957314.11), dbSNP rs1232197656, ClinGen allele CA354236813.

ClinVar aggregate classification (germline): Uncertain significance. Review status: criteria provided, multiple submitters, no conflicts (2 of 4 stars). 2 submissions from 2 submitters: Uncertain significance (2). Last evaluated 2022-04-28.

Conditions:
Familial thoracic aortic aneurysm and aortic dissection (TAAD). Also called: Thoracic aortic aneurysms and dissections. Identifiers: Orphanet 91387, MedGen C4707243, MONDO:0019625.
Aortic aneurysm, familial thoracic 7 (AAT7). Also called: AORTIC DISSECTION, FAMILIAL, WITH OR WITHOUT AORTIC ANEURYSM. Identifiers: MedGen C3151077, MONDO:0013418, OMIM 613780.

Allele frequency attached by ClinVar (database versions not stated): gnomAD exomes below 0.00001; gnomAD 0.00001; TOPMed 0.00001.
gnomAD v4.1: 7 of 1,614,140 alleles (0.00043%); highest among the groups gnomAD compares: East Asian, 0.0022%; no homozygotes.

Submissions (2):

Labcorp Genetics (formerly Invitae), Labcorp
Classification: Uncertain significance for Aortic aneurysm, familial thoracic 7. Last evaluated: 2022-04-28. Review status: criteria provided, single submitter. Criteria: Invitae Variant Classification Sherloc (09022015). Collection method: clinical testing. Allele origin: germline.
Comment: This sequence change replaces serine, which is neutral and polar, with phenylalanine, which is neutral and non-polar, at codon 16 of the MYLK protein (p.Ser16Phe). This variant is not present in population databases (gnomAD no frequency). This variant has not been reported in the literature in individuals affected with MYLK-related conditions. ClinVar contains an entry for this variant (Variation ID: 957314). Advanced modeling of protein sequence and biophysical properties (such as structural, functional, and spatial information, amino acid conservation, physicochemical variation, residue mobility, and thermodynamic stability) performed at Invitae indicates that this missense variant is not expected to disrupt MYLK protein function. In summary, the available evidence is currently insufficient to determine the role of this variant in disease. Therefore, it has been classified as a Variant of Uncertain Significance.

Ambry Genetics
Classification: Uncertain significance for Familial thoracic aortic aneurysm and aortic dissection. Last evaluated: 2021-11-14. Review status: criteria provided, single submitter. Criteria: Ambry Variant Classification Scheme 2023. Collection method: clinical testing. Allele origin: germline.
Comment: The p.S16F variant (also known as c.47C>T), located in coding exon 1 of the MYLK gene, results from a C to T substitution at nucleotide position 47. The serine at codon 16 is replaced by phenylalanine, an amino acid with highly dissimilar properties. This amino acid position is conserved. In addition, this alteration is predicted to be tolerated by in silico analysis. Since supporting evidence is limited at this time, the clinical significance of this alteration remains unclear.